The following is an entry in ClinVar:

NM_144670.6(A2ML1):c.2274C>A (p.Asp758Glu)

Gene: A2ML1 (alpha-2-macroglobulin like 1; plus strand). Cytogenetic location: 12p13.31.
Variant type: single nucleotide variant.
Coding change: c.2274C>A on transcript NM_144670.6 (MANE Select); coding-DNA position 2274, C replaced by A.
Protein change: p.Asp758Glu; replaces aspartic acid 758 with glutamic acid.
Molecular consequence: missense variant.
Genome position (GRCh38, 1-based): chr12:8,851,823, C>A. VCF-style: chr12-8851823-C-A. GRCh37 (hg19) VCF-style: chr12-9004419-C-A.
Other names: c.801C>A, p.Asp267Glu (NM_001282424.3); short protein forms D758E, D267E.
Identifiers: ClinVar variation 406201 (VCV000406201.11), dbSNP rs762980682, ClinGen allele CA6435974.
Genomic context (GRCh38, chr12:8,851,823, plus strand): 5'-TTGGTCCTTGTGTTTTCACAGTAACTCGGGGAAGGAGGCGGTCCACGTCACAGTTCCTGA[C>A]GCCATCACCGAGTGGAAGGCGATGAGTTTCTGCACTTCCCAGTCAAGAGGCTTCGGGCTT-3'
Protein context (NP_653271.3, residues 748-768): GKEAVHVTVP[Asp758Glu]AITEWKAMSF

ClinVar aggregate classification (germline): Uncertain significance. Review status: criteria provided, multiple submitters, no conflicts (2 of 4 stars). 2 submissions from 2 submitters: Uncertain significance (2). Last evaluated 2025-10-29.

gnomAD v4.1: 14 of 1,614,184 alleles (0.00087%); highest among the groups gnomAD compares: Admixed American, 0.015%; no homozygotes.

Submissions (2):

Labcorp Genetics (formerly Invitae), Labcorp
Classification: Uncertain significance. Last evaluated: 2025-10-29. Review status: criteria provided, single submitter. Criteria: Invitae Variant Classification Sherloc (09022015). Collection method: clinical testing. Allele origin: germline.
Comment: This sequence change replaces aspartic acid, which is acidic and polar, with glutamic acid, which is acidic and polar, at codon 758 of the A2ML1 protein (p.Asp758Glu). This variant is present in population databases (rs762980682, gnomAD 0.02%). This variant has not been reported in the literature in individuals affected with A2ML1-related conditions. ClinVar contains an entry for this variant (Variation ID: 406201). An algorithm developed to predict the effect of missense changes on protein structure and function (PolyPhen-2) suggests that this variant is likely to be disruptive. In summary, the available evidence is currently insufficient to determine the role of this variant in disease. Therefore, it has been classified as a Variant of Uncertain Significance.

Ambry Genetics
Classification: Uncertain significance. Last evaluated: 2022-01-19. Review status: criteria provided, single submitter. Criteria: Ambry Variant Classification Scheme 2023. Collection method: clinical testing. Allele origin: germline.
Comment: The p.D758E variant (also known as c.2274C>A), located in coding exon 19 of the A2ML1 gene, results from a C to A substitution at nucleotide position 2274. The aspartic acid at codon 758 is replaced by glutamic acid, an amino acid with highly similar properties. This amino acid position is conserved. In addition, this alteration is predicted to be tolerated by in silico analysis. Since supporting evidence is limited at this time, the clinical significance of this alteration remains unclear.